The following is an entry in ClinVar:

NM_000384.3(APOB):c.7091T>C (p.Leu2364Ser)

Gene: APOB (apolipoprotein B; minus strand). Cytogenetic location: 2p24.1.
Variant type: single nucleotide variant.
Coding change: c.7091T>C on transcript NM_000384.3 (MANE Select); coding-DNA position 7091, T replaced by C.
Protein change: p.Leu2364Ser; replaces leucine 2364 with serine.
Molecular consequence: missense variant.
Genome position (GRCh38, 1-based): chr2:21,009,777, A>G on the plus strand (T>C on the coding strand, the complement: APOB is on the minus strand). VCF-style: chr2-21009777-A-G. GRCh37 (hg19) VCF-style: chr2-21232649-A-G.
Other names: short protein forms L2364S.
Identifiers: ClinVar variation 1757104 (VCV001757104.2), dbSNP rs2465369962, ClinGen allele CA345998168.

ClinVar aggregate classification (germline): Uncertain significance (1 of 4 stars; one submission).

Conditions:
Cardiovascular phenotype. Identifiers: MedGen CN230736.

Submission:

Ambry Genetics
Classification: Uncertain significance for Cardiovascular phenotype. Last evaluated: 2022-05-20. Review status: criteria provided, single submitter. Criteria: Ambry Variant Classification Scheme 2023. Collection method: clinical testing. Allele origin: germline.
Comment: The p.L2364S variant (also known as c.7091T>C), located in coding exon 26 of the APOB gene, results from a T to C substitution at nucleotide position 7091. The leucine at codon 2364 is replaced by serine, an amino acid with dissimilar properties. This amino acid position is conserved. In addition, the in silico prediction for this alteration is inconclusive. Since supporting evidence is limited at this time, the clinical significance of this alteration remains unclear.